The following is an entry in ClinVar:

ClinVar aggregate classification (germline): Uncertain significance (1 of 4 stars; one submission).

Allele frequency attached by ClinVar (database versions not stated): gnomAD exomes below 0.00001; ExAC 0.00001.
gnomAD v4.1: 2 of 1,614,254 alleles (0.00012%); highest among the groups gnomAD compares: Non-Finnish European, 0.000085%; no homozygotes.

Submission:

Ambry Genetics
Classification: Uncertain significance. Last evaluated: 2022-11-25. Review status: criteria provided, single submitter. Criteria: Ambry Variant Classification Scheme 2023. Collection method: clinical testing. Allele origin: germline.
Comment: The p.Q203H variant (also known as c.609G>T), located in coding exon 7 of the RAD54L gene, results from a G to T substitution at nucleotide position 609. The glutamine at codon 203 is replaced by histidine, an amino acid with highly similar properties. This amino acid position is conserved. In addition, this alteration is predicted to be deleterious by in silico analysis. Since supporting evidence is limited at this time, the clinical significance of this alteration remains unclear.

NM_003579.4(RAD54L):c.609G>T (p.Gln203His)

Gene: RAD54L (RAD54 like; plus strand). Cytogenetic location: 1p34.1.
Variant type: single nucleotide variant.
Coding change: c.609G>T on transcript NM_003579.4 (MANE Select); coding-DNA position 609, G replaced by T.
Protein change: p.Gln203His; replaces glutamine 203 with histidine.
Molecular consequence: missense variant.
Genome position (GRCh38, 1-based): chr1:46,260,858, G>T. VCF-style: chr1-46260858-G-T. GRCh37 (hg19) VCF-style: chr1-46726530-G-T.
Other names: c.609G>T, p.Gln203His (NM_001142548.2); c.69G>T, p.Gln23His (NM_001370766.1); short protein forms Q203H, Q23H.
Identifiers: ClinVar variation 2464643 (VCV002464643.2), dbSNP rs767183024, ClinGen allele CA834314.